The following is an entry in ClinVar:

ClinVar aggregate classification (germline): Uncertain significance (1 of 4 stars; one submission).

Conditions:
Oligodontia-cancer predisposition syndrome. Also called: TOOTH AGENESIS-COLORECTAL CANCER SYNDROME. Identifiers: Orphanet 300576, MedGen C1837750, MONDO:0012075, OMIM 608615. Disease mechanism: loss of function.

Submission:

Labcorp Genetics (formerly Invitae), Labcorp
Classification: Uncertain significance for Oligodontia-cancer predisposition syndrome. Last evaluated: 2024-03-06. Review status: criteria provided, single submitter. Criteria: Invitae Variant Classification Sherloc (09022015). Collection method: clinical testing. Allele origin: germline.
Comment: This sequence change replaces cysteine, which is neutral and slightly polar, with tyrosine, which is neutral and polar, at codon 104 of the AXIN2 protein (p.Cys104Tyr). This variant is not present in population databases (gnomAD no frequency). This variant has not been reported in the literature in individuals affected with AXIN2-related conditions. ClinVar contains an entry for this variant (Variation ID: 571227). Advanced modeling of protein sequence and biophysical properties (such as structural, functional, and spatial information, amino acid conservation, physicochemical variation, residue mobility, and thermodynamic stability) performed at Invitae indicates that this missense variant is expected to disrupt AXIN2 protein function with a positive predictive value of 80%. In summary, the available evidence is currently insufficient to determine the role of this variant in disease. Therefore, it has been classified as a Variant of Uncertain Significance.

NM_004655.4(AXIN2):c.311G>A (p.Cys104Tyr)

Gene: AXIN2 (axin 2; minus strand). Cytogenetic location: 17q24.1.
Variant type: single nucleotide variant.
Coding change: c.311G>A on transcript NM_004655.4 (MANE Select); coding-DNA position 311, G replaced by A.
Protein change: p.Cys104Tyr; replaces cysteine 104 with tyrosine.
Molecular consequence: missense variant.
Genome position (GRCh38, 1-based): chr17:65,558,310, C>T on the plus strand (G>A on the coding strand, the complement: AXIN2 is on the minus strand). VCF-style: chr17-65558310-C-T. GRCh37 (hg19) VCF-style: chr17-63554428-C-T.
Other names: c.311G>A (LRG_296t1); c.311G>A, p.Cys104Tyr (NM_001363813.1); short protein forms C104Y.
Identifiers: ClinVar variation 571227 (VCV000571227.8), dbSNP rs1567769222, ClinGen allele CA400681679.